The following is an entry in ClinVar:

NM_030943.4(AMN):c.754C>T (p.Leu252Phe)

Gene: AMN (amnion associated transmembrane protein; plus strand). Cytogenetic location: 14q32.32.
Variant type: single nucleotide variant.
Coding change: c.754C>T on transcript NM_030943.4 (MANE Select); coding-DNA position 754, C replaced by T.
Protein change: p.Leu252Phe; replaces leucine 252 with phenylalanine.
Molecular consequence: missense variant.
Genome position (GRCh38, 1-based): chr14:102,929,530, C>T. VCF-style: chr14-102929530-C-T. GRCh37 (hg19) VCF-style: chr14-103395867-C-T.
Other names: c.592C>T, p.Leu198Phe (NM_001425246.1); short protein forms L198F, L252F.
Identifiers: ClinVar variation 2720621 (VCV002720621.3), dbSNP rs2542698264, ClinGen allele CA391082397.

ClinVar aggregate classification (germline): Uncertain significance (1 of 4 stars; one submission).

Conditions:
Imerslund-Grasbeck syndrome. Also called: ENTEROCYTE COBALAMIN MALABSORPTION; ENTEROCYTE INTRINSIC FACTOR RECEPTOR, DEFECT OF; Imerslund-Gräsbeck syndrome; PERNICIOUS ANEMIA, JUVENILE, DUE TO SELECTIVE INTESTINAL MALABSORPTION OF VITAMIN B12, WITH PROTEINURIA; Megaloblastic anemia due to inborn errors of metabolism. Identifiers: Orphanet 35858, MedGen C4551825, MONDO:0009853.

Submission:

Labcorp Genetics (formerly Invitae), Labcorp
Classification: Uncertain significance for Imerslund-Grasbeck syndrome. Last evaluated: 2024-05-07. Review status: criteria provided, single submitter. Criteria: Invitae Variant Classification Sherloc (09022015). Collection method: clinical testing. Allele origin: germline.
Comment: This sequence change replaces leucine, which is neutral and non-polar, with phenylalanine, which is neutral and non-polar, at codon 252 of the AMN protein (p.Leu252Phe). This variant is not present in population databases (gnomAD no frequency). This variant has not been reported in the literature in individuals affected with AMN-related conditions. Advanced modeling of protein sequence and biophysical properties (such as structural, functional, and spatial information, amino acid conservation, physicochemical variation, residue mobility, and thermodynamic stability) performed at Invitae indicates that this missense variant is expected to disrupt AMN protein function with a positive predictive value of 80%. In summary, the available evidence is currently insufficient to determine the role of this variant in disease. Therefore, it has been classified as a Variant of Uncertain Significance.